The following is an entry in ClinVar:

NM_000059.4(BRCA2):c.5828_5829del (p.Val1942_Ser1943insTer)

Gene: BRCA2 (BRCA2 DNA repair associated; plus strand). Cytogenetic location: 13q13.1.
Variant type: Deletion.
Coding change: c.5828_5829del on transcript NM_000059.4 (MANE Select); coding-DNA positions 5828 to 5829, 2 bases deleted (CT; older notation c.5828_5829delCT).
Protein change: p.Val1942_Ser1943insTer.
Molecular consequence: nonsense. On other transcripts: non-coding transcript variant (1), intron variant (2).
Genome position (GRCh38, 1-based): chr13:32,340,183-32,340,184, CT deleted; deleting any 2 consecutive bases within chr13:32,340,182-32,340,184 gives the same sequence; the c. name uses the placement nearest the transcript's 3' end. VCF-style (leftmost placement, unchanged base first): chr13-32340181-TTC-T. GRCh37 (hg19) VCF-style: chr13-32914318-TTC-T.
Other names: c.5828_5829del, p.Val1942_Ser1943insTer (NM_001406719.1, NM_001406720.1); c.1910-4375_1910-4374del (NM_001406721.1); c.425-4375_425-4374del (NM_001406722.1).
Identifiers: ClinVar variation 3148705 (VCV003148705.1), dbSNP rs2548531854, ClinGen allele CA2825002106.
Genomic context (GRCh38, chr13:32,340,181, plus strand): 5'-TGACATTCAGAGTGAAGAAATTTTACAACATAACCAAAATATGTCTGGATTGGAGAAAGT[TTC>T]TAAAATATCACCTTGTGATGTTAGTTTGGAAACTTCAGATATATGTAAATGTAGTATAGG-3'

ClinVar aggregate classification (germline): Pathogenic (1 of 4 stars; one submission).

Conditions:
Breast-ovarian cancer, familial, susceptibility to, 2 (BROVCA2). Also called: BRCA2 Hereditary Breast and Ovarian Cancer. Identifiers: Orphanet 145, MedGen C2675520, MONDO:0012933, OMIM 612555. Disease mechanism: loss of function.

Submission:

Myriad Genetics, Inc.
Classification: Pathogenic for Breast-ovarian cancer, familial, susceptibility to, 2. Last evaluated: 2024-02-21. Review status: criteria provided, single submitter. Criteria: Myriad Autosomal Dominant, Autosomal Recessive and X-Linked Classification Criteria (2023). Collection method: clinical testing. Allele origin: unknown.
Comment: This variant is considered pathogenic. This variant creates a termination codon and is predicted to result in premature protein truncation.